The following is an entry in ClinVar:

NM_016169.4(SUFU):c.768C>G (p.Asp256Glu)

Gene: SUFU (SUFU negative regulator of hedgehog signaling; plus strand). Cytogenetic location: 10q24.32.
Variant type: single nucleotide variant.
Coding change: c.768C>G on transcript NM_016169.4 (MANE Select); coding-DNA position 768, C replaced by G.
Protein change: p.Asp256Glu; replaces aspartic acid 256 with glutamic acid.
Molecular consequence: missense variant.
Genome position (GRCh38, 1-based): chr10:102,597,151, C>G. VCF-style: chr10-102597151-C-G. GRCh37 (hg19) VCF-style: chr10-104356908-C-G.
Other names: c.768C>G, p.Asp256Glu (NM_001178133.2); short protein forms D256E.
Identifiers: ClinVar variation 2575796 (VCV002575796.2), dbSNP rs2135881101, ClinGen allele CA377910288.

ClinVar aggregate classification (germline): Uncertain significance. Review status: criteria provided, multiple submitters, no conflicts (2 of 4 stars). 2 submissions from 2 submitters: Uncertain significance (2). Last evaluated 2024-10-15.

Conditions:
Hereditary cancer-predisposing syndrome. Also called: Tumor predisposition; Hereditary neoplastic syndrome; Neoplastic Syndromes, Hereditary; Hereditary Cancer Syndrome. Identifiers: Orphanet 140162, MedGen C0027672, MeSH D009386, MONDO:0015356.

Submissions (2):

Ambry Genetics
Classification: Uncertain significance for Hereditary cancer-predisposing syndrome. Last evaluated: 2024-10-15. Review status: criteria provided, single submitter. Criteria: Ambry Variant Classification Scheme 2023. Collection method: clinical testing. Allele origin: germline.
Comment: The p.D256E variant (also known as c.768C>G), located in coding exon 7 of the SUFU gene, results from a C to G substitution at nucleotide position 768. The aspartic acid at codon 256 is replaced by glutamic acid, an amino acid with highly similar properties. This amino acid position is conserved. In addition, this alteration is predicted to be tolerated by in silico analysis. Based on the available evidence, the clinical significance of this variant remains unclear.

GeneDx
Classification: Uncertain significance. Last evaluated: 2023-02-08. Review status: criteria provided, single submitter. Criteria: GeneDx Variant Classification Process June 2021. Collection method: clinical testing. Allele origin: germline. Affected: yes.
Comment: Not observed at significant frequency in large population cohorts (gnomAD); In silico analysis supports that this missense variant does not alter protein structure/function; Has not been previously published as pathogenic or benign to our knowledge; This variant is associated with the following publications: (PMID: 24311597)